The following is an entry in ClinVar:

NM_001110556.2(FLNA):c.5569C>T (p.Gln1857Ter)

Gene: FLNA (filamin A; minus strand). Cytogenetic location: Xq28.
Variant type: single nucleotide variant.
Coding change: c.5569C>T on transcript NM_001110556.2 (MANE Select); coding-DNA position 5569, C replaced by T.
Protein change: p.Gln1857Ter; replaces glutamine 1857 with a stop codon.
Molecular consequence: nonsense.
Genome position (GRCh38, 1-based): chrX:154,354,032, G>A on the plus strand (C>T on the coding strand, the complement: FLNA is on the minus strand). VCF-style: chrX-154354032-G-A. GRCh37 (hg19) VCF-style: chrX-153582400-G-A.
Other names: c.5545C>T, p.Gln1849Ter (NM_001456.4); short protein forms Q1849*, Q1857*.
Identifiers: ClinVar variation 3344379 (VCV003344379.1).

ClinVar aggregate classification (germline): Likely pathogenic (0 of 4 stars; one submission).

Conditions:
FLNA-related disorder.

Submission:

PreventionGenetics, part of Exact Sciences
Classification: Likely pathogenic for FLNA-related condition. Last evaluated: 2024-06-18. Review status: no assertion criteria provided. Collection method: clinical testing. Allele origin: germline.
Comment: The FLNA c.5569C>T variant is predicted to result in premature protein termination (p.Gln1857*). To our knowledge, this variant has not been reported in the literature or in a large population database, indicating this variant is rare. Nonsense variants in FLNA are expected to be pathogenic. This variant is interpreted as likely pathogenic.